The following is an entry in ClinVar:

ClinVar aggregate classification (germline): Uncertain significance (1 of 4 stars; one submission).

Conditions:
Cardiovascular phenotype. Identifiers: MedGen CN230736.

Submission:

Ambry Genetics
Classification: Uncertain significance for Cardiovascular phenotype. Last evaluated: 2020-01-03. Review status: criteria provided, single submitter. Criteria: Ambry Variant Classification Scheme 2023. Collection method: clinical testing. Allele origin: germline.
Comment: The p.T482I variant (also known as c.1445C>T), located in coding exon 8 of the AKAP9 gene, results from a C to T substitution at nucleotide position 1445. The threonine at codon 482 is replaced by isoleucine, an amino acid with similar properties. This amino acid position is not well conserved in available vertebrate species. In addition, this alteration is predicted to be tolerated by in silico analysis. Since supporting evidence is limited at this time, the clinical significance of this alteration remains unclear.

NM_005751.5(AKAP9):c.1445C>T (p.Thr482Ile)

Gene: AKAP9 (A-kinase anchoring protein 9; plus strand). Cytogenetic location: 7q21.2.
Variant type: single nucleotide variant.
Coding change: c.1445C>T on transcript NM_005751.5 (MANE Select); coding-DNA position 1445, C replaced by T.
Protein change: p.Thr482Ile; replaces threonine 482 with isoleucine.
Molecular consequence: missense variant.
Genome position (GRCh38, 1-based): chr7:92,001,362, C>T. VCF-style: chr7-92001362-C-T. GRCh37 (hg19) VCF-style: chr7-91630676-C-T.
Other names: c.1445C>T, p.Thr482Ile (NM_147185.3); short protein forms T482I.
Identifiers: ClinVar variation 1772787 (VCV001772787.2), dbSNP rs2484690011, ClinGen allele CA368121808.
Genomic context (GRCh38, chr7:92,001,362, plus strand): 5'-AAATGAAAACACGGCATAAGGGAGAAATGGAGAATGCTTTAAGGTCATATTCAAATATTA[C>T]AGTTAATGAAGATCAGATAAAGTTAATGAATGTGGCAATAAATGAACTGAATATAAAATT-3'
Protein context (NP_005742.4, residues 472-492): ENALRSYSNI[Thr482Ile]VNEDQIKLMN